The following is an entry in ClinVar:

ClinVar aggregate classification (germline): Uncertain significance. Review status: criteria provided, multiple submitters, no conflicts (2 of 4 stars). 2 submissions from 2 submitters: Uncertain significance (2). Last evaluated 2021-11-06.

Allele frequency attached by ClinVar (database versions not stated): gnomAD exomes 0.00001 and 0.00002; TOPMed 0.00002; ExAC 0.00004; gnomAD 0.00004.
gnomAD v4.1: 18 of 1,613,112 alleles (0.0011%); highest among the groups gnomAD compares: East Asian, 0.036%; no homozygotes.

Submissions (2):

Labcorp Genetics (formerly Invitae), Labcorp
Classification: Uncertain significance. Last evaluated: 2021-11-06. Review status: criteria provided, single submitter. Criteria: Invitae Variant Classification Sherloc (09022015). Collection method: clinical testing. Allele origin: germline.
Comment: Algorithms developed to predict the effect of missense changes on protein structure and function (SIFT, PolyPhen-2, Align-GVGD) all suggest that this variant is likely to be tolerated. In summary, the available evidence is currently insufficient to determine the role of this variant in disease. Therefore, it has been classified as a Variant of Uncertain Significance. This variant has not been reported in the literature in individuals affected with KIAA0753-related conditions. This variant is present in population databases (rs780122269, gnomAD 0.04%). This sequence change replaces methionine, which is neutral and non-polar, with isoleucine, which is neutral and non-polar, at codon 300 of the KIAA0753 protein (p.Met300Ile).

Blueprint Genetics
Classification: Uncertain significance. Last evaluated: 2021-08-09. Review status: criteria provided, single submitter. Criteria: ACMG Guidelines, 2015. Collection method: clinical testing. Allele origin: germline.

NM_014804.3(KIAA0753):c.900G>A (p.Met300Ile)

Gene: KIAA0753 (KIAA0753; minus strand). Cytogenetic location: 17p13.1.
Variant type: single nucleotide variant.
Coding change: c.900G>A on transcript NM_014804.3 (MANE Select); coding-DNA position 900, G replaced by A.
Protein change: p.Met300Ile; replaces methionine 300 with isoleucine.
Molecular consequence: missense variant. On other transcripts: initiator codon variant (1), non-coding transcript variant (3).
Genome position (GRCh38, 1-based): chr17:6,623,086, C>T on the plus strand (G>A on the coding strand, the complement: KIAA0753 is on the minus strand). VCF-style: chr17-6623086-C-T. GRCh37 (hg19) VCF-style: chr17-6526406-C-T.
Other names: c.3G>A, p.Met1Ile (NM_001351225.2); short protein forms M1I, M300I.
Identifiers: ClinVar variation 1406815 (VCV001406815.7), dbSNP rs780122269, ClinGen allele CA8330657.
Genomic context (GRCh38, chr17:6,623,086, plus strand): 5'-CTGAGTGACAAACATCTGTAAGGCCCGAATGGCTCCTCGATGGGCAGCCGCCAGCTTAGA[C>T]ATTGCCCATGACTGGTAATAAACAAGATGAGAGAAGTTATTTCCATACTCAGAACTTGCT-3'
Protein context (NP_055619.2, residues 290-310): KIKHTKKSWA[Met300Ile]SKLAAAHRGA